The following is an entry in ClinVar:

ClinVar aggregate classification (germline): Uncertain significance (1 of 4 stars; one submission).

Conditions:
Spermatogenic failure 18. Identifiers: MedGen C4539783, MONDO:0054615, OMIM 617576.
Ciliary dyskinesia, primary, 37 (CILD37). Also called: CILIARY DYSKINESIA, PRIMARY, 37, WITH OR WITHOUT SITUS INVERSUS. Identifiers: MedGen C4539798, MONDO:0033204, OMIM 617577.

Allele frequency attached by ClinVar (database versions not stated): gnomAD exomes 0.00001; ExAC 0.00002; ESP Exome Variant Server 0.00008.
gnomAD v4.1: 19 of 1,611,452 alleles (0.0012%); highest among the groups gnomAD compares: Non-Finnish European, 0.0015%; no homozygotes.

Submission:

Labcorp Genetics (formerly Invitae), Labcorp
Classification: Uncertain significance for Ciliary dyskinesia, primary, 37; Spermatogenic failure 18. Last evaluated: 2022-04-17. Review status: criteria provided, single submitter. Criteria: Invitae Variant Classification Sherloc (09022015). Collection method: clinical testing. Allele origin: germline.
Comment: This sequence change falls in intron 19 of the DNAH1 gene. It does not directly change the encoded amino acid sequence of the DNAH1 protein. It affects a nucleotide within the consensus splice site. This variant is present in population databases (rs373692075, gnomAD 0.002%). This variant has not been reported in the literature in individuals affected with DNAH1-related conditions. Variants that disrupt the consensus splice site are a relatively common cause of aberrant splicing (PMID: 17576681, 9536098). Algorithms developed to predict the effect of sequence changes on RNA splicing suggest that this variant is not likely to affect RNA splicing. In summary, the available evidence is currently insufficient to determine the role of this variant in disease. Therefore, it has been classified as a Variant of Uncertain Significance.

Literature cited by the submitters: PubMed 17576681; PubMed 9536098.

NM_015512.5(DNAH1):c.3226+6G>A

Gene: DNAH1 (dynein axonemal heavy chain 1; plus strand). Cytogenetic location: 3p21.1.
Variant type: single nucleotide variant.
Coding change: c.3226+6G>A on transcript NM_015512.5 (MANE Select); 6 bases into the intron after coding-DNA position 3226, G replaced by A.
Molecular consequence: intron variant.
Genome position (GRCh38, 1-based): chr3:52,353,307, G>A. VCF-style: chr3-52353307-G-A. GRCh37 (hg19) VCF-style: chr3-52387323-G-A.
Identifiers: ClinVar variation 2159434 (VCV002159434.2), dbSNP rs373692075, ClinGen allele CA2433502.